The following is an entry in ClinVar:

NM_138694.4(PKHD1):c.5360G>T (p.Cys1787Phe)

Gene: PKHD1 (PKHD1 ciliary IPT domain containing fibrocystin/polyductin; minus strand). Cytogenetic location: 6p12.2.
Variant type: single nucleotide variant.
Coding change: c.5360G>T on transcript NM_138694.4 (MANE Select); coding-DNA position 5360, G replaced by T.
Protein change: p.Cys1787Phe; replaces cysteine 1787 with phenylalanine.
Molecular consequence: missense variant.
Genome position (GRCh38, 1-based): chr6:52,022,821, C>A on the plus strand (G>T on the coding strand, the complement: PKHD1 is on the minus strand). VCF-style: chr6-52022821-C-A. GRCh37 (hg19) VCF-style: chr6-51887619-C-A.
Other names: c.5360G>T (NM_138694.3); c.5360G>T, p.Cys1787Phe (NM_170724.3); short protein forms C1787F.
Identifiers: ClinVar variation 1255539 (VCV001255539.32), dbSNP rs367970695, ClinGen allele CA138944411.

ClinVar aggregate classification (germline): Conflicting classifications of pathogenicity. Review status: criteria provided, conflicting classifications (1 of 4 stars). 9 submissions from 9 submitters: Likely pathogenic (4); Uncertain significance (4). 1 of the submissions does not count toward it. Last evaluated 2025-08-04.

Conditions:
PKHD1-related disorder. Also called: PKHD1-related condition.
Autosomal dominant polycystic kidney disease. Identifiers: Orphanet 730, MedGen C0085413, MONDO:0004691.
Autosomal recessive polycystic kidney disease (ARPKD). Also called: AR polycystic kidney disease. Identifiers: Orphanet 731, Orphanet 8378, MedGen C0085548, MeSH D017044, MONDO:0009889.
Polycystic kidney disease 4 (PKD4). Also called: POLYCYSTIC KIDNEY AND HEPATIC DISEASE 1; POLYCYSTIC KIDNEY DISEASE, INFANTILE, TYPE I; POLYCYSTIC KIDNEY DISEASE 4 WITH OR WITHOUT POLYCYSTIC LIVER DISEASE; PKD3; Autosomal Recessive Polycystic Kidney Disease – PKHD1. Identifiers: MedGen C4540575, MONDO:0033004, OMIM 263200.

Allele frequency attached by ClinVar (database versions not stated): gnomAD 0.00002; gnomAD exomes 0.00002; TOPMed 0.00002; ESP Exome Variant Server 0.00008.

Submissions (9):

Natera, Inc.
Classification: Likely pathogenic for Autosomal recessive polycystic kidney disease. Last evaluated: 2025-08-04. Review status: criteria provided, single submitter. Criteria: Natera Variant Classification Schema (03/2026). Collection method: clinical testing. Allele origin: germline.
Comment: The c.5360G>T variant in PKHD1 is a missense variant predicted to cause substitution of cysteine to phenylalanine at amino acid 1787. This variant is rare in the general population with a frequency below the threshold expected for the associated phenotype(s). This variant has been observed in one or more individuals affected with the associated recessive disease, as either homozygous or compound heterozygous with a second variant (PMID:16133180). This variant has been identified in one or more affected individuals with a phenotype highly consistent with the associated gene (PMID:16133180). Computational prediction algorithms indicate this variant is likely to affect gene or protein function. Given the available evidence, this variant is classified as Likely Pathogenic.

Labcorp Genetics (formerly Invitae), Labcorp
Classification: Likely pathogenic for Autosomal recessive polycystic kidney disease. Last evaluated: 2024-05-07. Review status: criteria provided, single submitter. Criteria: Invitae Variant Classification Sherloc (09022015). Collection method: clinical testing. Allele origin: germline.
Comment: This sequence change replaces cysteine, which is neutral and slightly polar, with phenylalanine, which is neutral and non-polar, at codon 1787 of the PKHD1 protein (p.Cys1787Phe). This variant is present in population databases (rs367970695, gnomAD 0.003%). This missense change has been observed in individuals with polycystic kidney disease (PMID: 15698423, 16133180, 33940108). ClinVar contains an entry for this variant (Variation ID: 1255539). Advanced modeling of protein sequence and biophysical properties (such as structural, functional, and spatial information, amino acid conservation, physicochemical variation, residue mobility, and thermodynamic stability) performed at Invitae indicates that this missense variant is expected to disrupt PKHD1 protein function with a positive predictive value of 95%. In summary, the currently available evidence indicates that the variant is pathogenic, but additional data are needed to prove that conclusively. Therefore, this variant has been classified as Likely Pathogenic.

Fulgent Genetics
Classification: Likely pathogenic for Polycystic kidney disease 4. Last evaluated: 2024-05-02. Review status: criteria provided, single submitter. Criteria: ACMG Guidelines, 2015. Collection method: clinical testing. Allele origin: germline.

GeneDx
Classification: Uncertain significance. Last evaluated: 2023-09-08. Review status: criteria provided, single submitter. Criteria: GeneDx Variant Classification Process June 2021. Collection method: clinical testing. Allele origin: germline. Affected: yes.
Comment: Observed heterozygous with no other PKHD1 variant in a family with polycystic kidney disease in published literature (Bergmann C et al., 2005); Not observed at significant frequency in large population cohorts (gnomAD); In silico analysis supports that this missense variant has a deleterious effect on protein structure/function; This variant is associated with the following publications: (PMID: 8740301, 15698423, 16133180, 33940108)

Women's Health and Genetics/Laboratory Corporation of America, LabCorp
Classification: Uncertain significance. Last evaluated: 2023-07-28. Review status: criteria provided, single submitter. Criteria: LabCorp Variant Classification Summary - May 2015. Collection method: clinical testing. Allele origin: germline.
Comment: Variant summary: PKHD1 c.5360G>T (p.Cys1787Phe) results in a non-conservative amino acid change in the encoded protein sequence. Five of five in-silico tools predict a damaging effect of the variant on protein function. The variant allele was found at a frequency of 1.6e-05 in 251208 control chromosomes (gnomAD). The available data on variant occurrences in the general population are insufficient to allow any conclusion about variant significance. c.5360G>T has been reported in the literature as a compound heterozygous genotype in two individuals affected with Polycystic Kidney And Hepatic Disease and as an uninformative genotype (i.e. zygosity not specified) or in the heterozygous state in several other affected individuals (e.g. Losekoot_2005, Bergmann_2005, Burgmaier_2021). These data do not allow any conclusion about variant significance. To our knowledge, no experimental evidence demonstrating an impact on protein function has been reported. The following publications have been ascertained in the context of this evaluation (PMID: 15698423, 33940108, 16133180). Two submitters have cited clinical-significance assessments for this variant to ClinVar after 2014 and both classified the variant as uncertain significance. Based on the evidence outlined above, the variant was classified as uncertain significance.

MVZ Medizinische Genetik Mainz
Classification: Uncertain significance for Polycystic kidney disease 4. Last evaluated: 2023-05-23. Review status: criteria provided, single submitter. Criteria: UK Practice Guidelines For Variant Classification V4 01 2020. Collection method: clinical testing. Allele origin: germline. Inheritance: Autosomal recessive inheritance. Observed: 1 variant allele.
Comment: ACMG Criteria: PP3_MOD,PM2_SUP,PM3_SUP

Blueprint Genetics
Classification: Likely pathogenic for PKHD1-related disorders. Last evaluated: 2022-01-07. Review status: criteria provided, single submitter. Criteria: ACMG Guidelines, 2015. Collection method: clinical testing. Allele origin: germline. Affected: yes. Observed: 3 variant alleles.

Center for Human Genetics and Genomic Medicine, Uniklinik Rwth Aachen
Classification: Uncertain significance for Polycystic kidney disease 4. Last evaluated: 2021-11-02. Review status: criteria provided, single submitter. Criteria: ACMG Guidelines, 2015. Collection method: clinical testing. Allele origin: unknown. Inheritance: Autosomal recessive inheritance. Affected: yes.
Comment: The detected change is reported in the dbSNP database (dbSNP150, status October 28, 2021) with the designation rs367970695. In gnomAD it is listed with a frequency of 0.001769% (5/282592) (as of October 28, 2021). In the literature it has already been described in a patient with ARPKD in combination with a pathogenic variant (Losekoot et al., 2005). In terms of bio-informatics, the change is classified as “likely disease causing” (PolyPhen2, Mutation Taster, SIFT). Based on the current state of knowledge, the variant is to be classified as a "variant of uncertain significance" (ACMG criteria).

Laboratory of Gastroenterology and Hepatology, Radboud University Medical Center
Classification: Uncertain significance for Autosomal dominant polycystic kidney disease. Last evaluated: 2021-09-01. Review status: no assertion criteria provided. Collection method: research. Allele origin: germline. Affected: yes. Not counted in ClinVar's aggregate classification.

Literature cited by the submitters: PubMed 16133180 (cited by 3 submitters); PubMed 15698423 (cited by Labcorp Genetics (formerly Invitae), Labcorp and Women's Health and Genetics/Laboratory Corporation of America, LabCorp); PubMed 33940108 (cited by Labcorp Genetics (formerly Invitae), Labcorp and Women's Health and Genetics/Laboratory Corporation of America, LabCorp).